The following is an entry in ClinVar:

ClinVar aggregate classification (germline): Uncertain significance (1 of 4 stars; one submission).

Allele frequency attached by ClinVar (database versions not stated): ExAC 0.00001; gnomAD 0.00001; gnomAD exomes 0.00001; TOPMed 0.00001.
gnomAD v4.1: 8 of 1,613,550 alleles (0.0005%); highest among the groups gnomAD compares: Non-Finnish European, 0.00068%; no homozygotes.

Submission:

Labcorp Genetics (formerly Invitae), Labcorp
Classification: Uncertain significance. Last evaluated: 2026-01-19. Review status: criteria provided, single submitter. Criteria: Invitae Variant Classification Sherloc (09022015). Collection method: clinical testing. Allele origin: germline.
Comment: This sequence change replaces arginine, which is basic and polar, with glutamine, which is neutral and polar, at codon 295 of the NDUFA10 protein (p.Arg295Gln). This variant is present in population databases (rs771127541, gnomAD 0.0009%). This variant has not been reported in the literature in individuals affected with NDUFA10-related conditions. ClinVar contains an entry for this variant (Variation ID: 1904317). Invitae Evidence Modeling of protein sequence and biophysical properties (such as structural, functional, and spatial information, amino acid conservation, physicochemical variation, residue mobility, and thermodynamic stability) has been performed for this missense variant. However, the output from this modeling did not meet the statistical confidence thresholds required to predict the impact of this variant on NDUFA10 protein function. In summary, the available evidence is currently insufficient to determine the role of this variant in disease. Therefore, it has been classified as a Variant of Uncertain Significance.

NM_004544.4(NDUFA10):c.884G>A (p.Arg295Gln)

Gene: NDUFA10 (NADH:ubiquinone oxidoreductase subunit A10; minus strand). Cytogenetic location: 2q37.3.
Variant type: single nucleotide variant.
Coding change: c.884G>A on transcript NM_004544.4 (MANE Select); coding-DNA position 884, G replaced by A.
Protein change: p.Arg295Gln; replaces arginine 295 with glutamine.
Molecular consequence: missense variant. On other transcripts: non-coding transcript variant (4).
Genome position (GRCh38, 1-based): chr2:240,005,216, C>T on the plus strand (G>A on the coding strand, the complement: NDUFA10 is on the minus strand). VCF-style: chr2-240005216-C-T. GRCh37 (hg19) VCF-style: chr2-240944633-C-T.
Other names: c.884G>A, p.Arg295Gln (NM_001322019.2, NM_001322020.2, NM_001410987.1); short protein forms R295Q.
Identifiers: ClinVar variation 1904317 (VCV001904317.5), dbSNP rs771127541, ClinGen allele CA2200822.